The following is an entry in ClinVar:

NM_015465.5(GEMIN5):c.3833C>A (p.Ala1278Asp)

Gene: GEMIN5 (gem nuclear organelle associated protein 5; minus strand). Cytogenetic location: 5q33.2.
Variant type: single nucleotide variant.
Coding change: c.3833C>A on transcript NM_015465.5 (MANE Select); coding-DNA position 3833, C replaced by A.
Protein change: p.Ala1278Asp; replaces alanine 1278 with aspartic acid.
Molecular consequence: missense variant.
Genome position (GRCh38, 1-based): chr5:154,891,670, G>T on the plus strand (C>A on the coding strand, the complement: GEMIN5 is on the minus strand). VCF-style: chr5-154891670-G-T. GRCh37 (hg19) VCF-style: chr5-154271230-G-T.
Other names: c.3830C>A, p.Ala1277Asp (NM_001252156.2); short protein forms A1278D, A1277D.
Identifiers: ClinVar variation 451888 (VCV000451888.3), dbSNP rs1004628057, ClinGen allele CA130112644.
Genomic context (GRCh38, chr5:154,891,670, plus strand): 5'-TTTGGGCAAGGTCTGGAGAGAGACCACCAGAATTCATACAGACGCCCATAAAGAAAAAAG[G>T]CCTCCAAACTTTTGAAAGCTGGTGTGGCAGGGGATTGATGGTCCCCCAACTTGTCTCTTA-3'
Protein context (NP_056280.2, residues 1268-1288): PATPAFKSLE[Ala1278Asp]FFLYGRLYEF

ClinVar aggregate classification (germline): Uncertain significance (1 of 4 stars; one submission).

Allele frequency attached by ClinVar (database versions not stated): gnomAD 0.00001; gnomAD exomes 0.00002 and 0.00004; TOPMed 0.00003.
gnomAD v4.1: 61 of 1,612,266 alleles (0.0038%); highest among the groups gnomAD compares: Non-Finnish European, 0.0049%; no homozygotes.

Submission:

GeneDx
Classification: Uncertain significance. Last evaluated: 2020-06-04. Review status: criteria provided, single submitter. Criteria: GeneDx Variant Classification Process June 2021. Collection method: clinical testing. Allele origin: germline. Affected: yes.
Comment: In silico analysis supports that this missense variant has a deleterious effect on protein structure/function; Has not been previously published as pathogenic or benign to our knowledge; Variants in candidate genes are classified as variants of uncertain significance in accordance with ACMG guidelines (Richards et al., 2015)